The following is an entry in ClinVar:

NM_006180.6(NTRK2):c.2040G>A (p.Met680Ile)

Gene: NTRK2 (neurotrophic receptor tyrosine kinase 2; plus strand). Cytogenetic location: 9q21.33.
Variant type: single nucleotide variant.
Coding change: c.2040G>A on transcript NM_006180.6 (MANE Select); coding-DNA position 2040, G replaced by A.
Protein change: p.Met680Ile; replaces methionine 680 with isoleucine.
Molecular consequence: missense variant.
Genome position (GRCh38, 1-based): chr9:84,955,385, G>A. VCF-style: chr9-84955385-G-A. GRCh37 (hg19) VCF-style: chr9-87570300-G-A.
Other names: c.1992G>A, p.Met664Ile (NM_001018064.3, NM_001369532.1, NM_001369533.1); c.1956G>A, p.Met652Ile (NM_001369534.1); c.1524G>A, p.Met508Ile (NM_001369535.1); c.1572G>A, p.Met524Ile (NM_001369536.1); short protein forms M508I, M524I, M652I, M664I, M680I.
Identifiers: ClinVar variation 4082929 (VCV004082929.2).
Genomic context (GRCh38, chr9:84,955,385, plus strand): 5'-GCCCACGGAACTGACGCAGTCGCAGATGCTGCATATAGCCCAGCAGATCGCCGCGGGCAT[G>A]GTCTACCTGGCGTCCCAGCACTTCGTGCACCGCGATTTGGCCACCAGGAACTGCCTGGTC-3'
Protein context (NP_006171.2, residues 670-690): LHIAQQIAAG[Met680Ile]VYLASQHFVH

ClinVar aggregate classification (germline): Uncertain significance (1 of 4 stars; one submission).

Submission:

GeneDx
Classification: Uncertain significance. Last evaluated: 2025-12-22. Review status: criteria provided, single submitter. Criteria: GeneDx Variant Classification Process June 2021. Collection method: clinical testing. Allele origin: germline.
Comment: Not observed at significant frequency in large population cohorts (gnomAD); In silico analysis supports that this missense variant has a deleterious effect on protein structure/function; Has not been previously published as pathogenic or benign to our knowledge